The following is an entry in ClinVar:

ClinVar aggregate classification (germline): Uncertain significance (1 of 4 stars; one submission).

Submission:

Labcorp Genetics (formerly Invitae), Labcorp
Classification: Uncertain significance. Last evaluated: 2025-10-08. Review status: criteria provided, single submitter. Criteria: Invitae Variant Classification Sherloc (09022015). Collection method: clinical testing. Allele origin: germline.
Comment: This sequence change falls in intron 6 of the IARS2 gene. It does not directly change the encoded amino acid sequence of the IARS2 protein. It affects a nucleotide within the consensus splice site. This variant is not present in population databases (gnomAD no frequency). This variant has not been reported in the literature in individuals affected with IARS2-related conditions. Variants that disrupt the consensus splice site are a relatively common cause of aberrant splicing (PMID: 17576681, 9536098). Algorithms developed to predict the effect of sequence changes on RNA splicing suggest that this variant may disrupt the consensus splice site. In summary, the available evidence is currently insufficient to determine the role of this variant in disease. Therefore, it has been classified as a Variant of Uncertain Significance.

Literature cited by the submitters: PubMed 17576681; PubMed 9536098.

NM_018060.4(IARS2):c.860-3C>G

Gene: IARS2 (isoleucyl-tRNA synthetase 2, mitochondrial; plus strand). Cytogenetic location: 1q41.
Variant type: single nucleotide variant.
Coding change: c.860-3C>G on transcript NM_018060.4 (MANE Select); 3 bases into the intron before coding-DNA position 860, C replaced by G.
Molecular consequence: intron variant.
Genome position (GRCh38, 1-based): chr1:220,102,684, C>G. VCF-style: chr1-220102684-C-G. GRCh37 (hg19) VCF-style: chr1-220276026-C-G.
Identifiers: ClinVar variation 4727852 (VCV004727852.1).